The following is an entry in ClinVar:

NM_152419.3(HGSNAT):c.110C>G (p.Pro37Arg)

Genes: HGSNAT (heparan-alpha-glucosaminide N-acetyltransferase; plus strand), LOC130000316 (ATAC-STARR-seq lymphoblastoid silent region 19164; plus strand). Cytogenetic location: 8p11.21.
Variant type: single nucleotide variant.
Coding change: c.110C>G on transcript NM_152419.3 (MANE Select); coding-DNA position 110, C replaced by G.
Protein change: p.Pro37Arg; replaces proline 37 with arginine.
Molecular consequence: missense variant. On other transcripts: 5 prime UTR variant (1).
Genome position (GRCh38, 1-based): chr8:43,140,606, C>G. VCF-style: chr8-43140606-C-G. GRCh37 (hg19) VCF-style: chr8-42995749-C-G.
Other names: c.110C>G, p.Pro37Arg (NM_001363227.2, NM_001363228.2); c.-724C>G (NM_001363229.2); short protein forms P37R.
Identifiers: ClinVar variation 1430511 (VCV001430511.5), dbSNP rs1465935790, ClinGen allele CA371124700.

ClinVar aggregate classification (germline): Uncertain significance (1 of 4 stars; one submission).

Conditions:
Mucopolysaccharidosis, MPS-III-C (MPS3C). Also called: SANFILIPPO SYNDROME C; MPS III C; MPS IIIC (Sanfilippo Syndrome Type C); MUCOPOLYSACCHARIDOSIS, TYPE IIIC; Mucopolysaccharidosis type IIIC (Sanfilippo C); mucopolysaccharidosis type 3C. Identifiers: Orphanet 581, Orphanet 79271, MedGen C0086649, MONDO:0009657, OMIM 252930.
Retinitis pigmentosa 73 (RP73). Identifiers: Orphanet 791, MedGen C4225287, MONDO:0014687, OMIM 616544.

gnomAD v4.1: 2 of 1,234,998 alleles (0.00016%); highest among the groups gnomAD compares: Non-Finnish European, 0.0002%; no homozygotes.

Submission:

Labcorp Genetics (formerly Invitae), Labcorp
Classification: Uncertain significance for Retinitis pigmentosa 73; Mucopolysaccharidosis, MPS-III-C. Last evaluated: 2022-02-18. Review status: criteria provided, single submitter. Criteria: Invitae Variant Classification Sherloc (09022015). Collection method: clinical testing. Allele origin: germline.
Comment: This sequence change replaces proline, which is neutral and non-polar, with arginine, which is basic and polar, at codon 37 of the HGSNAT protein (p.Pro37Arg). This variant is not present in population databases (gnomAD no frequency). This variant has not been reported in the literature in individuals affected with HGSNAT-related conditions. Advanced modeling of protein sequence and biophysical properties (such as structural, functional, and spatial information, amino acid conservation, physicochemical variation, residue mobility, and thermodynamic stability) performed at Invitae indicates that this missense variant is not expected to disrupt HGSNAT protein function. In summary, the available evidence is currently insufficient to determine the role of this variant in disease. Therefore, it has been classified as a Variant of Uncertain Significance.